The following is an entry in ClinVar:

ClinVar aggregate classification (germline): Likely pathogenic (1 of 4 stars; one submission).

Conditions:
Congenital secretory diarrhea, chloride type (DIAR1). Also called: DIARRHEA 1, SECRETORY CHLORIDE, CONGENITAL; CHLORIDORRHEA, CONGENITAL; CHLORIDE DIARRHEA, CONGENITAL, FINNISH TYPE. Identifiers: Orphanet 53689, MedGen C0267662, MONDO:0008964, OMIM 214700.

Submission:

Breakthrough Genomics
Classification: Likely pathogenic for Congenital secretory diarrhea, chloride type. Last evaluated: 2022-10-21. Review status: criteria provided, single submitter. Criteria: ACMG Guidelines, 2015. Collection method: clinical testing. Allele origin: germline. Affected: yes.
Comment: This variant seems to be a novel variant, as it has not been previously reported in population or public databases or in the literature. However, several other truncating lying downstream of the variant, have been previously reported as pathogenic in the ClinVar database context of congenital secretory diarrhea, chloride type. In addition, loss-of-function variants in SLC26A3 are known to be pathogenic [PMID: 9718329, 21394828].

NM_000111.3(SLC26A3):c.1262del (p.Val421fs)

Gene: SLC26A3 (solute carrier family 26 member 3; minus strand). Cytogenetic location: 7q22.3.
Variant type: Deletion.
Coding change: c.1262del on transcript NM_000111.3 (MANE Select); coding-DNA position 1262, one base deleted (T; older notation c.1262delT).
Protein change: p.Val421fs; shifts the reading frame from valine 421.
Molecular consequence: frameshift variant.
Genome position (GRCh38, 1-based): chr7:107,782,846, A deleted on the plus strand (T on the coding strand, the reverse complement: SLC26A3 is on the minus strand). VCF-style (leftmost placement, unchanged base first): chr7-107782845-CA-C. GRCh37 (hg19) VCF-style: chr7-107423290-CA-C.
Other names: p.Val421GlyfsTer2; c.1262delT (NM_000111.3); short protein forms V421fs.
Identifiers: ClinVar variation 3255580 (VCV003255580.2).